The following is an entry in ClinVar:

ClinVar aggregate classification (germline): Pathogenic (1 of 4 stars; one submission).

Conditions:
Cardiovascular phenotype. Identifiers: MedGen CN230736.
Hereditary cancer-predisposing syndrome. Also called: Tumor predisposition; Neoplastic Syndromes, Hereditary; Hereditary neoplastic syndrome; Hereditary Cancer Syndrome. Identifiers: Orphanet 140162, MedGen C0027672, MeSH D009386, MONDO:0015356.

Submission:

Ambry Genetics
Classification: Pathogenic for Cardiovascular phenotype; Hereditary cancer-predisposing syndrome. Last evaluated: 2025-08-18. Review status: criteria provided, single submitter. Criteria: Ambry Variant Classification Scheme 2023. Collection method: clinical testing. Allele origin: germline.
Comment: The p.E259* pathogenic mutation (also known as c.775G>T), located in coding exon 8 of the LZTR1 gene, results from a G to T substitution at nucleotide position 775. This changes the amino acid from a glutamic acid to a stop codon within coding exon 8. This alteration is expected to result in loss of function by premature protein truncation or nonsense-mediated mRNA decay. Loss-of-function variants in LZTR1 are related to an increased risk for schwannomas and autosomal recessive Noonan syndrome; however, such associations with autosomal dominant Noonan syndrome have not been observed (Piotrowski A et al. Nat Genet. 2014 Feb;46:182-7; Yamamoto GL et al. J Med Genet. 2015 Jun;52:413-21; Johnston JJ et al. Genet Med. 2018 10;20:1175-1185). Based on the supporting evidence, this variant is pathogenic for an increased risk of LZTR1-related schwannomatosis (SWN) and would be expected to cause autosomal recessive Noonan syndrome when present along with a second pathogenic or likely pathogenic variant on the other allele; however, the association of this alteration with autosomal dominant Noonan syndrome is unlikely.

NM_006767.4(LZTR1):c.775G>T (p.Glu259Ter)

Gene: LZTR1 (leucine zipper like post translational regulator 1; plus strand). Cytogenetic location: 22q11.21.
Variant type: single nucleotide variant.
Coding change: c.775G>T on transcript NM_006767.4 (MANE Select); coding-DNA position 775, G replaced by T.
Protein change: p.Glu259Ter; replaces glutamic acid 259 with a stop codon.
Molecular consequence: nonsense.
Genome position (GRCh38, 1-based): chr22:20,990,509, G>T. VCF-style: chr22-20990509-G-T. GRCh37 (hg19) VCF-style: chr22-21344798-G-T.
Other names: short protein forms E259*.
Identifiers: ClinVar variation 4101927 (VCV004101927.1).